The following is an entry in ClinVar:

NM_001001557.4(GDF6):c.604C>G (p.Leu202Val)

Gene: GDF6 (growth differentiation factor 6; minus strand). Cytogenetic location: 8q22.1.
Variant type: single nucleotide variant.
Coding change: c.604C>G on transcript NM_001001557.4 (MANE Select); coding-DNA position 604, C replaced by G.
Protein change: p.Leu202Val; replaces leucine 202 with valine.
Molecular consequence: missense variant.
Genome position (GRCh38, 1-based): chr8:96,145,327, G>C on the plus strand (C>G on the coding strand, the complement: GDF6 is on the minus strand). VCF-style: chr8-96145327-G-C. GRCh37 (hg19) VCF-style: chr8-97157555-G-C.
Other names: short protein forms L202V.
Identifiers: ClinVar variation 2446671 (VCV002446671.1), dbSNP rs1175841699, ClinGen allele CA371752254.

ClinVar aggregate classification (germline): Uncertain significance (1 of 4 stars; one submission).

Submission:

GeneDx
Classification: Uncertain significance. Last evaluated: 2022-09-28. Review status: criteria provided, single submitter. Criteria: GeneDx Variant Classification Process June 2021. Collection method: clinical testing. Allele origin: germline. Affected: yes.
Comment: Not observed at significant frequency in large population cohorts (gnomAD); In silico analysis supports that this missense variant does not alter protein structure/function; Has not been previously published as pathogenic or benign to our knowledge